The following is an entry in ClinVar:

NM_025074.7(FRAS1):c.5046C>G (p.Asp1682Glu)

Gene: FRAS1 (Fraser extracellular matrix complex subunit 1; plus strand). Cytogenetic location: 4q21.21.
Variant type: single nucleotide variant.
Coding change: c.5046C>G on transcript NM_025074.7 (MANE Select); coding-DNA position 5046, C replaced by G.
Protein change: p.Asp1682Glu; replaces aspartic acid 1682 with glutamic acid.
Molecular consequence: missense variant.
Genome position (GRCh38, 1-based): chr4:78,432,433, C>G. VCF-style: chr4-78432433-C-G. GRCh37 (hg19) VCF-style: chr4-79353587-C-G.
Other names: c.5046C>G, p.Asp1682Glu (NM_001166133.2); short protein forms D1682E.
Identifiers: ClinVar variation 197043 (VCV000197043.42), dbSNP rs35219594, ClinGen allele CA202671.

ClinVar aggregate classification (germline): Conflicting classifications of pathogenicity. Review status: criteria provided, conflicting classifications (1 of 4 stars). 8 submissions from 8 submitters: Uncertain significance (1); Benign (2); Likely benign (4). 1 of the submissions does not count toward it. Last evaluated 2026-04-01.

Conditions:
FRAS1-related disorder. Also called: FRAS1-related condition.
Fraser syndrome 1 (FRASRS1). Also called: CRYPTOPHTHALMOS WITH OTHER MALFORMATIONS. Identifiers: Orphanet 2052, MedGen C4551480, MONDO:0054737, OMIM 219000.

Allele frequency attached by ClinVar (database versions not stated): 1000 Genomes Project 0.00200; 1000 Genomes Project 30x 0.00219; gnomAD 0.00344; ESP Exome Variant Server 0.00351; TOPMed 0.00382.
gnomAD v4.1: 7,568 of 1,612,766 alleles (0.47%); highest among the groups gnomAD compares: Non-Finnish European, 0.58%; 24 homozygotes.

Submissions (8):

CeGaT Center for Human Genetics Tuebingen
Classification: Likely benign. Last evaluated: 2026-04-01. Review status: criteria provided, single submitter. Criteria: CeGaT Center For Human Genetics Tuebingen Variant Classification Criteria Version 2. Collection method: clinical testing. Allele origin: germline. Affected: yes. Observed: 3 variant alleles.
Comment: FRAS1: BP4, BS2

Labcorp Genetics (formerly Invitae), Labcorp
Classification: Benign. Last evaluated: 2026-02-04. Review status: criteria provided, single submitter. Criteria: Invitae Variant Classification Sherloc (09022015). Collection method: clinical testing. Allele origin: germline.

Blueprint Genetics
Classification: Likely benign. Last evaluated: 2024-11-26. Review status: criteria provided, single submitter. Criteria: ACMG Guidelines, 2015. Collection method: clinical testing. Allele origin: germline.

GeneDx
Classification: Likely benign. Last evaluated: 2019-01-24. Review status: criteria provided, single submitter. Criteria: GeneDx Variant Classification Process June 2021. Collection method: clinical testing. Allele origin: germline. Affected: yes.

Illumina Laboratory Services, Illumina
Classification: Likely benign for Fraser syndrome 1. Last evaluated: 2018-01-12. Review status: criteria provided, single submitter. Criteria: ICSL Variant Classification Criteria 13 December 2019. Collection method: clinical testing. Allele origin: germline.
Comment: This variant was observed in the ICSL laboratory as part of a predisposition screen in an ostensibly healthy population. It had not been previously curated by ICSL or reported in the Human Gene Mutation Database (HGMD: prior to June 1st, 2018), and was therefore a candidate for classification through an automated scoring system. Utilizing variant allele frequency, disease prevalence and penetrance estimates, and inheritance mode, an automated score was calculated to assess if this variant is too frequent to cause the disease. Based on the score and internal cut-off values, a variant classified as likely benign is not then subjected to further curation. The score for this variant resulted in a classification of likely benign for this disease.

Mayo Clinic Laboratories, Mayo Clinic
Classification: Uncertain significance for Fraser syndrome 1. Last evaluated: 2016-10-12. Review status: criteria provided, single submitter. Criteria: ACMG Guidelines, 2015. Collection method: clinical testing. Allele origin: paternal.

Eurofins Ntd Llc (ga)
Classification: Benign. Last evaluated: 2014-09-29. Review status: criteria provided, single submitter. Criteria: EGL Classification Definitions 2015. Collection method: clinical testing. Allele origin: germline. Observed: 1 variant allele, 1 heterozygote.

PreventionGenetics, part of Exact Sciences
Classification: Likely benign for FRAS1-related condition. Last evaluated: 2020-03-30. Review status: no assertion criteria provided. Collection method: clinical testing. Allele origin: germline. Not counted in ClinVar's aggregate classification.
Comment: This variant is classified as likely benign based on ACMG/AMP sequence variant interpretation guidelines (Richards et al. 2015 PMID: 25741868, with internal and published modifications).

Literature cited by the submitters: PubMed 23532946 (cited by Eurofins Ntd Llc (ga)).